The following is an entry in ClinVar:

ClinVar aggregate classification (germline): Uncertain significance (1 of 4 stars; one submission).

Allele frequency attached by ClinVar (database versions not stated): gnomAD exomes below 0.00001; gnomAD 0.00001.
gnomAD v4.1: 5 of 1,614,054 alleles (0.00031%); highest among the groups gnomAD compares: Admixed American, 0.0017%; no homozygotes.

Submission:

Labcorp Genetics (formerly Invitae), Labcorp
Classification: Uncertain significance. Last evaluated: 2023-09-26. Review status: criteria provided, single submitter. Criteria: Invitae Variant Classification Sherloc (09022015). Collection method: clinical testing. Allele origin: germline.
Comment: In summary, the available evidence is currently insufficient to determine the role of this variant in disease. Therefore, it has been classified as a Variant of Uncertain Significance. This sequence change replaces threonine, which is neutral and polar, with methionine, which is neutral and non-polar, at codon 190 of the SORL1 protein (p.Thr190Met). This variant is present in population databases (no rsID available, gnomAD 0.1%). This variant has not been reported in the literature in individuals affected with SORL1-related conditions. An algorithm developed to predict the effect of missense changes on protein structure and function (PolyPhen-2) suggests that this variant is likely to be disruptive.

NM_003105.6(SORL1):c.569C>T (p.Thr190Met)

Gene: SORL1 (sortilin related receptor 1; plus strand). Cytogenetic location: 11q24.1.
Variant type: single nucleotide variant.
Coding change: c.569C>T on transcript NM_003105.6 (MANE Select); coding-DNA position 569, C replaced by T.
Protein change: p.Thr190Met; replaces threonine 190 with methionine.
Molecular consequence: missense variant.
Genome position (GRCh38, 1-based): chr11:121,488,072, C>T. VCF-style: chr11-121488072-C-T. GRCh37 (hg19) VCF-style: chr11-121358781-C-T.
Other names: short protein forms T190M.
Identifiers: ClinVar variation 2987471 (VCV002987471.3), dbSNP rs1245988912, ClinGen allele CA383285692.